The following is an entry in ClinVar:

ClinVar aggregate classification (germline): Uncertain significance (1 of 4 stars; one submission).

Conditions:
Familial adenomatous polyposis 1 (FAP1). Also called: FAMILIAL ADENOMATOUS POLYPOSIS 1, ATTENUATED; POLYPOSIS, ADENOMATOUS INTESTINAL. Identifiers: MedGen C2713442, MONDO:0021056, OMIM 175100. Disease mechanism: loss of function.

Allele frequency attached by ClinVar (database versions not stated): TOPMed 0.00001.
gnomAD v4.1: 13 of 549,244 alleles (0.0024%); highest among the groups gnomAD compares: South Asian, 0.011%; no homozygotes.

Submission:

Labcorp Genetics (formerly Invitae), Labcorp
Classification: Uncertain significance for Familial adenomatous polyposis 1. Last evaluated: 2025-09-03. Review status: criteria provided, single submitter. Criteria: Invitae Variant Classification Sherloc (09022015). Collection method: clinical testing. Allele origin: germline.
Comment: This variant occurs in a non-coding region of the APC gene. It does not change the encoded amino acid sequence of the APC protein. This variant is not present in population databases (gnomAD no frequency). This variant has not been reported in the literature in individuals affected with APC-related conditions. ClinVar contains an entry for this variant (Variation ID: 537609). Experimental studies and prediction algorithms are not available or were not evaluated, and the functional significance of this variant is currently unknown. In summary, the available evidence is currently insufficient to determine the role of this variant in disease. Therefore, it has been classified as a Variant of Uncertain Significance.

NM_001127511.3(APC):c.-171G>C

Gene: APC (APC regulator of Wnt signaling pathway; plus strand). Cytogenetic location: 5q22.2.
Variant type: single nucleotide variant.
Coding change: c.-171G>C on transcript NM_001127511.3; 171 bases upstream of the start codon, G replaced by C.
Molecular consequence: 5 prime UTR variant. On other transcripts: non-coding transcript variant (2).
Genome position (GRCh38, 1-based): chr5:112,707,547, G>C. VCF-style: chr5-112707547-G-C. GRCh37 (hg19) VCF-style: chr5-112043244-G-C.
Other names: c.-354G>C (NM_001354895.2, NM_001407447.1, NM_001407452.1 and 3 more transcripts); c.-171G>C (NM_001354897.2, NM_001354902.2, NM_001407446.1); c.-121G>C (NM_001407448.1, NM_001407450.1, NM_001407457.1 and 1 more transcripts); c.-145G>C (NM_001407453.1); c.-1389G>C (NM_001407470.1, NM_001407472.1).
Identifiers: ClinVar variation 537609 (VCV000537609.10), dbSNP rs968943120, ClinGen allele CA124924868.